The following is an entry in ClinVar:

NM_144775.3(SMCR8):c.504G>A (p.Gln168=)

Gene: SMCR8 (SMCR8-C9orf72 complex subunit; plus strand). Cytogenetic location: 17p11.2.
Variant type: single nucleotide variant.
Coding change: c.504G>A on transcript NM_144775.3 (MANE Select); coding-DNA position 504, G replaced by A.
Protein change: p.Gln168=; no amino-acid change (glutamine 168 retained).
Molecular consequence: synonymous variant.
Genome position (GRCh38, 1-based): chr17:18,316,293, G>A. VCF-style: chr17-18316293-G-A. GRCh37 (hg19) VCF-style: chr17-18219607-G-A.
Identifiers: ClinVar variation 2647556 (VCV002647556.24), dbSNP rs117521287, ClinGen allele CA8430477.

ClinVar aggregate classification (germline): Likely benign (1 of 4 stars; one submission).

Allele frequency attached by ClinVar (database versions not stated): 1000 Genomes Project 0.00060; 1000 Genomes Project 30x 0.00062; gnomAD 0.00142; TOPMed 0.00159; ExAC 0.00165; ESP Exome Variant Server 0.00208; gnomAD exomes 0.00230.
gnomAD v4.1: 3,546 of 1,614,016 alleles (0.22%); highest among the groups gnomAD compares: Non-Finnish European, 0.28%; 7 homozygotes.

Submission:

CeGaT Center for Human Genetics Tuebingen
Classification: Likely benign. Last evaluated: 2022-05-01. Review status: criteria provided, single submitter. Criteria: CeGaT Center For Human Genetics Tuebingen Variant Classification Criteria Version 2. Collection method: clinical testing. Allele origin: germline. Affected: yes. Observed: 1 variant allele.
Comment: SMCR8: BP4, BP7